The following is an entry in ClinVar:

NM_001267550.2(TTN):c.106394A>G (p.Lys35465Arg)

Genes: TTN (titin; minus strand), TTN-AS1 (TTN antisense RNA 1; plus strand). Cytogenetic location: 2q31.2.
Variant type: single nucleotide variant.
Coding change: c.106394A>G on transcript NM_001267550.2 (MANE Select); coding-DNA position 106394, A replaced by G.
Protein change: p.Lys35465Arg; replaces lysine 35465 with arginine.
Molecular consequence: missense variant.
Genome position (GRCh38, 1-based): chr2:178,530,097, T>C on the plus strand (A>G on the coding strand, the complement: TTN is on the minus strand). VCF-style: chr2-178530097-T-C. GRCh37 (hg19) VCF-style: chr2-179394824-T-C.
Other names: c.101471A>G, p.Lys33824Arg (NM_001256850.1); c.79199A>G, p.Lys26400Arg (NM_003319.4); c.98690A>G, p.Lys32897Arg (NM_133378.4); c.79574A>G, p.Lys26525Arg (NM_133432.3); c.79775A>G, p.Lys26592Arg (NM_133437.4); short protein forms K26592R, K32897R, K26400R, K33824R, K26525R, K35465R.
Identifiers: ClinVar variation 4785902 (VCV004785902.1).

ClinVar aggregate classification (germline): Uncertain significance (1 of 4 stars; one submission).

Conditions:
Autosomal recessive limb-girdle muscular dystrophy type 2J (LGMDR10). Also called: Limb-girdle muscular dystrophy, type 2J; MUSCULAR DYSTROPHY, LIMB-GIRDLE, AUTOSOMAL RECESSIVE 10. Identifiers: Orphanet 140922, MedGen C1837342, MONDO:0012127, OMIM 608807.
Dilated cardiomyopathy 1G (CMD1G). Identifiers: Orphanet 154, MedGen C1858763, MONDO:0011400, OMIM 604145.

Submission:

Labcorp Genetics (formerly Invitae), Labcorp
Classification: Uncertain significance for Dilated cardiomyopathy 1G; Autosomal recessive limb-girdle muscular dystrophy type 2J. Last evaluated: 2025-08-18. Review status: criteria provided, single submitter. Criteria: Invitae Variant Classification Sherloc (09022015). Collection method: clinical testing. Allele origin: germline.
Comment: This sequence change replaces lysine, which is basic and polar, with arginine, which is basic and polar, at codon 35465 of the TTN protein (p.Lys35465Arg). This variant is not present in population databases (gnomAD no frequency). This variant has not been reported in the literature in individuals affected with TTN-related conditions. Experimental studies and prediction algorithms are not available or were not evaluated, and the functional significance of this variant is currently unknown. In summary, the available evidence is currently insufficient to determine the role of this variant in disease. Therefore, it has been classified as a Variant of Uncertain Significance.